The following is an entry in ClinVar:

NM_001256071.3(RNF213):c.3122C>T (p.Ala1041Val)

Gene: RNF213 (ring finger protein 213; plus strand). Cytogenetic location: 17q25.3.
Variant type: single nucleotide variant.
Coding change: c.3122C>T on transcript NM_001256071.3 (MANE Select); coding-DNA position 3122, C replaced by T.
Protein change: p.Ala1041Val; replaces alanine 1041 with valine.
Molecular consequence: missense variant.
Genome position (GRCh38, 1-based): chr17:80,325,127, C>T. VCF-style: chr17-80325127-C-T. GRCh37 (hg19) VCF-style: chr17-78298927-C-T.
Other names: p.Ala1041Val; c.3269C>T, p.Ala1090Val (NM_001410195.1, NM_020914.5); short protein forms A1041V, A1090V.
Identifiers: ClinVar variation 4684266 (VCV004684266.2).

ClinVar aggregate classification (germline): Benign/Likely benign. Review status: criteria provided, multiple submitters, no conflicts (2 of 4 stars). 2 submissions from 2 submitters: Benign (1); Likely benign (1). Last evaluated 2025-05-06.

gnomAD v4.1: 136 of 1,536,932 alleles (0.0088%); highest among the groups gnomAD compares: East Asian, 0.2%; no homozygotes.

Submissions (2):

Labcorp Genetics (formerly Invitae), Labcorp
Classification: Benign. Last evaluated: 2025-05-06. Review status: criteria provided, single submitter. Criteria: Invitae Variant Classification Sherloc (09022015). Collection method: clinical testing. Allele origin: germline.

Mayo Clinic Laboratories, Mayo Clinic
Classification: Likely benign. Last evaluated: 2025-03-05. Review status: criteria provided, single submitter. Criteria: ACMG Guidelines, 2015. Collection method: clinical testing. Allele origin: germline. Observed: 1 variant allele.
Comment: BS1, BP4_moderate